The following is an entry in ClinVar:

ClinVar aggregate classification (germline): Uncertain significance. Review status: criteria provided, multiple submitters, no conflicts (2 of 4 stars). 2 submissions from 2 submitters: Uncertain significance (2). Last evaluated 2024-11-11.

Conditions:
Inborn genetic diseases. Identifiers: MedGen C0950123, MeSH D030342.

Allele frequency attached by ClinVar (database versions not stated): ExAC 0.00001; gnomAD 0.00001; TOPMed 0.00001.
gnomAD v4.1: 27 of 1,614,018 alleles (0.0017%); highest among the groups gnomAD compares: Non-Finnish European, 0.0021%; no homozygotes.

Submissions (2):

Labcorp Genetics (formerly Invitae), Labcorp
Classification: Uncertain significance. Last evaluated: 2024-11-11. Review status: criteria provided, single submitter. Criteria: Invitae Variant Classification Sherloc (09022015). Collection method: clinical testing. Allele origin: germline.
Comment: This sequence change replaces asparagine, which is neutral and polar, with tyrosine, which is neutral and polar, at codon 331 of the ADNP protein (p.Asn331Tyr). This variant is present in population databases (rs748420565, gnomAD 0.003%). This variant has not been reported in the literature in individuals affected with ADNP-related conditions. ClinVar contains an entry for this variant (Variation ID: 2233686). An algorithm developed to predict the effect of missense changes on protein structure and function (PolyPhen-2) suggests that this variant is likely to be disruptive. In summary, the available evidence is currently insufficient to determine the role of this variant in disease. Therefore, it has been classified as a Variant of Uncertain Significance.

Ambry Genetics
Classification: Uncertain significance for Inborn genetic diseases. Last evaluated: 2021-08-02. Review status: criteria provided, single submitter. Criteria: Ambry Variant Classification Scheme 2023. Collection method: clinical testing. Allele origin: germline.

NM_001282531.3(ADNP):c.991A>T (p.Asn331Tyr)

Gene: ADNP (activity dependent neuroprotector homeobox; minus strand). Cytogenetic location: 20q13.13.
Variant type: single nucleotide variant.
Coding change: c.991A>T on transcript NM_001282531.3 (MANE Select); coding-DNA position 991, A replaced by T.
Protein change: p.Asn331Tyr; replaces asparagine 331 with tyrosine.
Molecular consequence: missense variant.
Genome position (GRCh38, 1-based): chr20:50,893,723, T>A on the plus strand (A>T on the coding strand, the complement: ADNP is on the minus strand). VCF-style: chr20-50893723-T-A. GRCh37 (hg19) VCF-style: chr20-49510260-T-A.
Other names: c.991A>T, p.Asn331Tyr (NM_001282532.2, NM_001347511.2, NM_015339.5 and 1 more transcripts); short protein forms N331Y.
Identifiers: ClinVar variation 2233686 (VCV002233686.5), dbSNP rs748420565, ClinGen allele CA9908804.